The following is an entry in ClinVar:

ClinVar aggregate classification (germline): Uncertain significance. Review status: criteria provided, multiple submitters, no conflicts (2 of 4 stars). 3 submissions from 3 submitters: Uncertain significance (3). Last evaluated 2025-12-29.

Conditions:
Colorectal cancer, hereditary nonpolyposis, type 7. Identifiers: Orphanet 144, MedGen C1858380, MONDO:0013725, OMIM 614385.

Allele frequency attached by ClinVar (database versions not stated): ExAC 0.00002; gnomAD 0.00002 and 0.00003; TOPMed 0.00002; gnomAD exomes 0.00003; 1000 Genomes Project 0.00020; 1000 Genomes Project 30x 0.00031.
gnomAD v4.1: 23 of 1,614,152 alleles (0.0014%); highest among the groups gnomAD compares: South Asian, 0.0055%; no homozygotes.

Submissions (3):

Center for Genomic Medicine, Rigshospitalet, Copenhagen University Hospital
Classification: Uncertain significance. Last evaluated: 2025-12-29. Review status: criteria provided, single submitter. Criteria: ACMG Guidelines, 2015. Collection method: clinical testing. Allele origin: germline.

Ambry Genetics
Classification: Uncertain significance. Last evaluated: 2025-07-29. Review status: criteria provided, single submitter. Criteria: Ambry Variant Classification Scheme 2023. Collection method: clinical testing. Allele origin: germline.
Comment: The p.N1314S variant (also known as c.3941A>G), located in coding exon 8 of the MLH3 gene, results from an A to G substitution at nucleotide position 3941. The asparagine at codon 1314 is replaced by serine, an amino acid with highly similar properties. This amino acid position is poorly conserved in available vertebrate species. In addition, this alteration is predicted to be tolerated by in silico analysis. Since supporting evidence is limited at this time, the clinical significance of this alteration remains unclear.

Labcorp Genetics (formerly Invitae), Labcorp
Classification: Uncertain significance for Colorectal cancer, hereditary nonpolyposis, type 7. Last evaluated: 2020-10-29. Review status: criteria provided, single submitter. Criteria: Invitae Variant Classification Sherloc (09022015). Collection method: clinical testing. Allele origin: germline.
Comment: This sequence change replaces asparagine with serine at codon 1314 of the MLH3 protein (p.Asn1314Ser). The asparagine residue is moderately conserved and there is a small physicochemical difference between asparagine and serine. This variant is present in population databases (rs200444835, ExAC 0.009%). This variant has not been reported in the literature in individuals with MLH3-related conditions. Algorithms developed to predict the effect of missense changes on protein structure and function output the following: SIFT: "Tolerated"; PolyPhen-2: "Benign"; Align-GVGD: "Class C0". The serine amino acid residue is found in multiple mammalian species, suggesting that this missense change does not adversely affect protein function. These predictions have not been confirmed by published functional studies and their clinical significance is uncertain. In summary, the available evidence is currently insufficient to determine the role of this variant in disease. Therefore, it has been classified as a Variant of Uncertain Significance.

NM_001040108.2(MLH3):c.3941A>G (p.Asn1314Ser)

Gene: MLH3 (mutL homolog 3; minus strand). Cytogenetic location: 14q24.3.
Variant type: single nucleotide variant.
Coding change: c.3941A>G on transcript NM_001040108.2 (MANE Select); coding-DNA position 3941, A replaced by G.
Protein change: p.Asn1314Ser; replaces asparagine 1314 with serine.
Molecular consequence: missense variant.
Genome position (GRCh38, 1-based): chr14:75,030,589, T>C on the plus strand (A>G on the coding strand, the complement: MLH3 is on the minus strand). VCF-style: chr14-75030589-T-C. GRCh37 (hg19) VCF-style: chr14-75497292-T-C.
Other names: c.3869A>G, p.Asn1290Ser (NM_014381.3); short protein forms N1290S, N1314S.
Identifiers: ClinVar variation 1012069 (VCV001012069.13), dbSNP rs200444835, ClinGen allele CA7275296.